The following is an entry in ClinVar:

NM_001035.3(RYR2):c.11410G>A (p.Asp3804Asn)

Gene: RYR2 (ryanodine receptor 2; plus strand). Cytogenetic location: 1q43.
Variant type: single nucleotide variant.
Coding change: c.11410G>A on transcript NM_001035.3 (MANE Select); coding-DNA position 11410, G replaced by A.
Protein change: p.Asp3804Asn; replaces aspartic acid 3804 with asparagine.
Molecular consequence: missense variant.
Genome position (GRCh38, 1-based): chr1:237,760,962, G>A. VCF-style: chr1-237760962-G-A. GRCh37 (hg19) VCF-style: chr1-237924262-G-A.
Other names: short protein forms D3804N.
Identifiers: ClinVar variation 2229598 (VCV002229598.3), dbSNP rs1260070394, ClinGen allele CA345429855.
Genomic context (GRCh38, chr1:237,760,962, plus strand): 5'-AAGAAAATGTTCTATTAGTCCTCTAAATGTTTTTTTTTCCCTTGTTATTATAGTGTCCTT[G>A]ACCTAAATGCATTTGAGCGACAAAACAAAGCTGAAGGTCTTGGGATGGTGACAGAGGAAG-3'
Protein context (NP_001026.2, residues 3794-3814): AGLMQSCSVL[Asp3804Asn]LNAFERQNKA

ClinVar aggregate classification (germline): Uncertain significance (1 of 4 stars; one submission).

Conditions:
Cardiovascular phenotype. Identifiers: MedGen CN230736.

Allele frequency attached by ClinVar (database versions not stated): gnomAD exomes below 0.00001.
gnomAD v4.1: 2 of 1,564,926 alleles (0.00013%); highest among the groups gnomAD compares: Admixed American, 0.0037%; no homozygotes.

Submission:

Ambry Genetics
Classification: Uncertain significance for Cardiovascular phenotype. Last evaluated: 2024-12-04. Review status: criteria provided, single submitter. Criteria: Ambry Variant Classification Scheme 2023. Collection method: clinical testing. Allele origin: germline.
Comment: The c.11410G>A (p.D3804N) alteration is located in exon 84 (coding exon 84) of the RYR2 gene. This alteration results from a G to A substitution at nucleotide position 11410, causing the aspartic acid (D) at amino acid position 3804 to be replaced by an asparagine (N). The p.D3804N alteration is predicted to be tolerated by in silico analysis. Based on insufficient or conflicting evidence, the clinical significance of this alteration remains unclear.